The following is an entry in ClinVar:

NM_130839.5(UBE3A):c.873A>C (p.Arg291Ser)

Genes: SNHG14 (small nucleolar RNA host gene 14; plus strand), UBE3A (ubiquitin protein ligase E3A; minus strand). Cytogenetic location: 15q11.2.
Variant type: single nucleotide variant.
Coding change: c.873A>C on transcript NM_130839.5 (MANE Select); coding-DNA position 873, A replaced by C.
Protein change: p.Arg291Ser; replaces arginine 291 with serine.
Molecular consequence: missense variant. On other transcripts: non-coding transcript variant (1), intron variant (2).
Genome position (GRCh38, 1-based): chr15:25,371,301, T>G on the plus strand (A>C on the coding strand, the complement: UBE3A is on the minus strand). VCF-style: chr15-25371301-T-G. GRCh37 (hg19) VCF-style: chr15-25616448-T-G.
Other names: c.882A>C, p.Arg294Ser (NM_000462.5); c.873A>C, p.Arg291Ser (NM_001354505.1, NM_001354538.2, NM_001354545.2); c.813A>C, p.Arg271Ser (NM_001354506.2, NM_001354507.2, NM_001354508.2 and 17 more transcripts); c.696A>C, p.Arg232Ser (NM_001354546.2); c.301+4164A>C (NM_001354551.2); c.361+4164A>C (NM_001354550.2); short protein forms R232S, R271S, R291S, R294S.
Identifiers: ClinVar variation 2991925 (VCV002991925.3), dbSNP rs1213980033, ClinGen allele CA391354883.

ClinVar aggregate classification (germline): Uncertain significance (1 of 4 stars; one submission).

Conditions:
Angelman syndrome (AS). Also called: HAPPY PUPPET SYNDROME. Identifiers: Orphanet 72, MedGen C0162635, MONDO:0007113, OMIM 105830. Disease mechanism: loss of function. Inheritance: AS is caused by disruption of maternally imprinted UBE3A located within the 15q11.2-q13 Angelman syndrome/Prader-Willi syndrome (AS/PWS) region., imprinting disorder.

Submission:

Labcorp Genetics (formerly Invitae), Labcorp
Classification: Uncertain significance for Angelman syndrome. Last evaluated: 2023-07-20. Review status: criteria provided, single submitter. Criteria: Invitae Variant Classification Sherloc (09022015). Collection method: clinical testing. Allele origin: germline.
Comment: This sequence change replaces arginine, which is basic and polar, with serine, which is neutral and polar, at codon 271 of the UBE3A protein (p.Arg271Ser). In summary, the available evidence is currently insufficient to determine the role of this variant in disease. Therefore, it has been classified as a Variant of Uncertain Significance. Advanced modeling of protein sequence and biophysical properties (such as structural, functional, and spatial information, amino acid conservation, physicochemical variation, residue mobility, and thermodynamic stability) performed at Invitae indicates that this missense variant is not expected to disrupt UBE3A protein function. This variant has not been reported in the literature in individuals affected with UBE3A-related conditions. This variant is not present in population databases (gnomAD no frequency).